The following is an entry in ClinVar:

ClinVar aggregate classification (germline): Uncertain significance (1 of 4 stars; one submission).

gnomAD v4.1: 1 of 1,613,854 alleles (0.000062%); highest among the groups gnomAD compares: Non-Finnish European, 0.000085%; no homozygotes.

Submission:

Labcorp Genetics (formerly Invitae), Labcorp
Classification: Uncertain significance. Last evaluated: 2022-04-12. Review status: criteria provided, single submitter. Criteria: Invitae Variant Classification Sherloc (09022015). Collection method: clinical testing. Allele origin: germline.
Comment: This sequence change replaces arginine, which is basic and polar, with isoleucine, which is neutral and non-polar, at codon 13 of the GORAB protein (p.Arg13Ile). This variant is not present in population databases (gnomAD no frequency). This variant has not been reported in the literature in individuals affected with GORAB-related conditions. Algorithms developed to predict the effect of missense changes on protein structure and function are either unavailable or do not agree on the potential impact of this missense change (SIFT: "Deleterious"; PolyPhen-2: "Possibly Damaging"; Align-GVGD: "Class C0"). In summary, the available evidence is currently insufficient to determine the role of this variant in disease. Therefore, it has been classified as a Variant of Uncertain Significance.

NM_152281.3(GORAB):c.-38G>T

Genes: GORAB (golgin, RAB6 interacting; plus strand), GORAB-AS1 (GORAB antisense RNA 1; minus strand). Cytogenetic location: 1q24.2.
Variant type: single nucleotide variant.
Coding change: c.-38G>T on transcript NM_152281.3 (MANE Select); 38 bases upstream of the start codon, G replaced by T.
Molecular consequence: 5 prime UTR variant. On other transcripts: non-coding transcript variant (1).
Genome position (GRCh38, 1-based): chr1:170,532,186, G>T. VCF-style: chr1-170532186-G-T. GRCh37 (hg19) VCF-style: chr1-170501327-G-T.
Other names: c.-38G>T (NM_001146039.2, NM_001410894.1); c.-803G>T (NM_001320252.2).
Identifiers: ClinVar variation 2125274 (VCV002125274.1), dbSNP rs1648714458, ClinGen allele CA343160005.
Genomic context (GRCh38, chr1:170,532,186, plus strand): 5'-GCCGCGGCCGGGGAAAAACCCGGATGAGCTGGGCAGCAGTGTTGGCAGTCGCGGCTGCGA[G>T]ATTTGGGCACTTTTGGGGGTGCCGGTGGCCCGGGCCGATGGCGCAAGGTTGGGCAGGATT-3'